The following is an entry in ClinVar:

ClinVar aggregate classification (germline): Uncertain significance (1 of 4 stars; one submission).

Submission:

GeneDx
Classification: Uncertain significance. Last evaluated: 2025-11-26. Review status: criteria provided, single submitter. Criteria: GeneDx Variant Classification Process June 2021. Collection method: clinical testing. Allele origin: germline. Affected: yes.
Comment: Not observed at significant frequency in large population cohorts (gnomAD); In silico analysis supports that this missense variant has a deleterious effect on protein structure/function; Has not been previously published as pathogenic or benign to our knowledge

NM_000214.3(JAG1):c.391T>C (p.Ser131Pro)

Gene: JAG1 (jagged canonical Notch ligand 1; minus strand). Cytogenetic location: 20p12.2.
Variant type: single nucleotide variant.
Coding change: c.391T>C on transcript NM_000214.3 (MANE Select); coding-DNA position 391, T replaced by C.
Protein change: p.Ser131Pro; replaces serine 131 with proline.
Molecular consequence: missense variant.
Genome position (GRCh38, 1-based): chr20:10,664,011, A>G on the plus strand (T>C on the coding strand, the complement: JAG1 is on the minus strand). VCF-style: chr20-10664011-A-G. GRCh37 (hg19) VCF-style: chr20-10644659-A-G.
Other names: short protein forms S131P.
Identifiers: ClinVar variation 1704811 (VCV001704811.3), dbSNP rs2514531180, ClinGen allele CA408242178.